The following is an entry in ClinVar:

ClinVar aggregate classification (germline): Uncertain significance (1 of 4 stars; one submission).

Submission:

Women's Health and Genetics/Laboratory Corporation of America, LabCorp
Classification: Uncertain significance. Last evaluated: 2025-06-02. Review status: criteria provided, single submitter. Criteria: LabCorp Variant Classification Summary - May 2015. Collection method: clinical testing. Allele origin: germline.
Comment: Variant summary: NF1 c.7429A>C (p.Lys2477Gln) results in a conservative amino acid change in the encoded protein sequence. Algorithms developed to predict the effect of missense changes on protein structure and function are either unavailable or do not agree on the potential impact of this missense change. The variant was absent in 251466 control chromosomes. The available data on variant occurrences in the general population are insufficient to allow any conclusion about variant significance. To our knowledge, no occurrence of c.7429A>C in individuals affected with Neurofibromatosis Type 1 and no experimental evidence demonstrating its impact on protein function have been reported. No submitters have cited clinical-significance assessments for this variant to ClinVar. Based on the evidence outlined above, the variant was classified as uncertain significance.

NM_001042492.3(NF1):c.7492A>C (p.Lys2498Gln)

Gene: NF1 (neurofibromin 1; plus strand). Cytogenetic location: 17q11.2.
Variant type: single nucleotide variant.
Coding change: c.7492A>C on transcript NM_001042492.3 (MANE Select); coding-DNA position 7492, A replaced by C.
Protein change: p.Lys2498Gln; replaces lysine 2498 with glutamine.
Molecular consequence: missense variant.
Genome position (GRCh38, 1-based): chr17:31,352,291, A>C. VCF-style: chr17-31352291-A-C. GRCh37 (hg19) VCF-style: chr17-29679309-A-C.
Other names: c.7429A>C, p.Lys2477Gln (NM_000267.4); short protein forms K2477Q, K2498Q.
Identifiers: ClinVar variation 3907480 (VCV003907480.1).